The following is an entry in ClinVar:

ClinVar aggregate classification (germline): Uncertain significance (1 of 4 stars; one submission).

Allele frequency attached by ClinVar (database versions not stated): gnomAD exomes below 0.00001.
gnomAD v4.1: 1 of 1,612,734 alleles (0.000062%); highest among the groups gnomAD compares: Non-Finnish European, 0.000085%; no homozygotes.

Submission:

GeneDx
Classification: Uncertain significance. Last evaluated: 2019-03-26. Review status: criteria provided, single submitter. Criteria: GeneDx Variant Classification Process June 2021. Collection method: clinical testing. Allele origin: germline. Affected: yes.
Comment: Not observed in large population cohorts (Lek et al., 2016); In silico analysis, which includes protein predictors and evolutionary conservation, supports that this variant does not alter protein structure/function; Has not been previously published as pathogenic or benign to our knowledge

NM_020699.4(GATAD2B):c.653G>A (p.Gly218Glu)

Gene: GATAD2B (GATA zinc finger domain containing 2B; minus strand). Cytogenetic location: 1q21.3.
Variant type: single nucleotide variant.
Coding change: c.653G>A on transcript NM_020699.4 (MANE Select); coding-DNA position 653, G replaced by A.
Protein change: p.Gly218Glu; replaces glycine 218 with glutamic acid.
Molecular consequence: missense variant.
Genome position (GRCh38, 1-based): chr1:153,818,116, C>T on the plus strand (G>A on the coding strand, the complement: GATAD2B is on the minus strand). VCF-style: chr1-153818116-C-T. GRCh37 (hg19) VCF-style: chr1-153790592-C-T.
Other names: short protein forms G218E.
Identifiers: ClinVar variation 1302615 (VCV001302615.2), dbSNP rs2101881412, ClinGen allele CA342531976.